The following is an entry in ClinVar:

ClinVar aggregate classification (germline): Likely benign. Review status: criteria provided, multiple submitters, no conflicts (2 of 4 stars). 3 submissions from 3 submitters: Likely benign (2). 1 of the submissions does not count toward it. Last evaluated 2023-03-20.

Conditions:
MATR3-related disorder. Also called: MATR3-related condition.
Amyotrophic lateral sclerosis type 21. Also called: MYOPATHY, DISTAL, 2; VOCAL CORD AND PHARYNGEAL DYSFUNCTION WITH DISTAL MYOPATHY. Identifiers: Orphanet 600, Orphanet 803, MedGen C3807521, MONDO:0011632, OMIM 606070.

Allele frequency attached by ClinVar (database versions not stated): ExAC 0.00001; gnomAD 0.00001; gnomAD exomes 0.00001; TOPMed 0.00002.
gnomAD v4.1: 14 of 1,606,058 alleles (0.00087%); highest among the groups gnomAD compares: Admixed American, 0.0017%; no homozygotes.

Submissions (3):

Labcorp Genetics (formerly Invitae), Labcorp
Classification: Likely benign for Amyotrophic lateral sclerosis type 21. Last evaluated: 2023-03-20. Review status: criteria provided, single submitter. Criteria: Invitae Variant Classification Sherloc (09022015). Collection method: clinical testing. Allele origin: germline.

Blueprint Genetics
Classification: Likely benign. Last evaluated: 2020-09-15. Review status: criteria provided, single submitter. Criteria: ACMG Guidelines, 2015. Collection method: clinical testing. Allele origin: germline.

PreventionGenetics, part of Exact Sciences
Classification: Likely benign for MATR3-related condition. Last evaluated: 2021-09-22. Review status: no assertion criteria provided. Collection method: clinical testing. Allele origin: germline. Not counted in ClinVar's aggregate classification.
Comment: This variant is classified as likely benign based on ACMG/AMP sequence variant interpretation guidelines (Richards et al. 2015 PMID: 25741868, with internal and published modifications).

NM_018834.6(MATR3):c.1284T>C (p.His428=)

Gene: MATR3 (matrin 3; plus strand). Cytogenetic location: 5q31.2.
Variant type: single nucleotide variant.
Coding change: c.1284T>C on transcript NM_018834.6 (MANE Select); coding-DNA position 1284, T replaced by C.
Protein change: p.His428=; no amino-acid change (histidine 428 retained).
Molecular consequence: synonymous variant.
Genome position (GRCh38, 1-based): chr5:139,317,697, T>C. VCF-style: chr5-139317697-T-C. GRCh37 (hg19) VCF-style: chr5-138653386-T-C.
Other names: c.1284T>C, p.His428= (NM_001194954.2, NM_001194955.2, NM_001400441.1 and 16 more transcripts); c.420T>C, p.His140= (NM_001194956.2); c.270T>C, p.His90= (NM_001282278.2, NM_001400460.1, NM_001400462.1 and 5 more transcripts); c.423T>C, p.His141= (NM_001400459.1); c.384T>C, p.His128= (NM_001400461.1); c.1284T>C (NM_199189.2).
Identifiers: ClinVar variation 3013471 (VCV003013471.6), dbSNP rs755491059, ClinGen allele CA3433102.